The following is an entry in ClinVar:

NM_014795.4(ZEB2):c.2239C>T (p.Leu747Phe)

Gene: ZEB2 (zinc finger E-box binding homeobox 2; minus strand). Cytogenetic location: 2q22.3.
Variant type: single nucleotide variant.
Coding change: c.2239C>T on transcript NM_014795.4 (MANE Select); coding-DNA position 2239, C replaced by T.
Protein change: p.Leu747Phe; replaces leucine 747 with phenylalanine.
Molecular consequence: missense variant.
Genome position (GRCh38, 1-based): chr2:144,398,948, G>A on the plus strand (C>T on the coding strand, the complement: ZEB2 is on the minus strand). VCF-style: chr2-144398948-G-A. GRCh37 (hg19) VCF-style: chr2-145156515-G-A.
Other names: c.2167C>T, p.Leu723Phe (NM_001171653.2); short protein forms L723F, L747F.
Identifiers: ClinVar variation 659354 (VCV000659354.8), dbSNP rs1160664411, ClinGen allele CA348708725.

ClinVar aggregate classification (germline): Uncertain significance (1 of 4 stars; one submission).

Conditions:
Mowat-Wilson syndrome (MOWS). Also called: Classic Mowat-Wilson Syndrome. Identifiers: Orphanet 2152, MedGen C1856113, MONDO:0009341, OMIM 235730.

Allele frequency attached by ClinVar (database versions not stated): gnomAD exomes below 0.00001; TOPMed below 0.00001; gnomAD 0.00001.

Submission:

Labcorp Genetics (formerly Invitae), Labcorp
Classification: Uncertain significance for Mowat-Wilson syndrome. Last evaluated: 2020-01-22. Review status: criteria provided, single submitter. Criteria: Invitae Variant Classification Sherloc (09022015). Collection method: clinical testing. Allele origin: germline.
Comment: In summary, the available evidence is currently insufficient to determine the role of this variant in disease. Therefore, it has been classified as a Variant of Uncertain Significance. Algorithms developed to predict the effect of missense changes on protein structure and function are either unavailable or do not agree on the potential impact of this missense change (SIFT: "Tolerated"; PolyPhen-2: "Possibly Damaging"; Align-GVGD: "Class C0"). This variant has not been reported in the literature in individuals with ZEB2-related disease. This variant is not present in population databases (ExAC no frequency). This sequence change replaces leucine with phenylalanine at codon 747 of the ZEB2 protein (p.Leu747Phe). The leucine residue is highly conserved and there is a small physicochemical difference between leucine and phenylalanine.